The following is an entry in ClinVar:

ClinVar aggregate classification (germline): Conflicting classifications of pathogenicity. Review status: criteria provided, conflicting classifications (1 of 4 stars). 3 submissions from 3 submitters: Uncertain significance (1); Likely benign (1). 1 of the submissions does not count toward it. Last evaluated 2025-06-27.

Conditions:
Inborn genetic diseases. Identifiers: MedGen C0950123, MeSH D030342.
KCNQ2-Related Disorders. Also called: KCNQ2-related condition; KCNQ2-related disorder. Identifiers: MedGen CN169299.
Early-infantile DEE. Also called: Ohtahara syndrome; Early infantile epileptic encephalopathy with suppression bursts; Early infantile epileptic encephalopathy. Identifiers: Orphanet 1934, MedGen C0393706, MONDO:0800491.

Allele frequency attached by ClinVar (database versions not stated): gnomAD exomes 0.00005 and 0.00009; TOPMed 0.00005; gnomAD 0.00006 and 0.00007; ExAC 0.00013.
gnomAD v4.1: 81 of 1,574,480 alleles (0.0051%); highest among the groups gnomAD compares: Middle Eastern, 0.017%; no homozygotes.

Submissions (3):

Labcorp Genetics (formerly Invitae), Labcorp
Classification: Uncertain significance for Early-infantile DEE. Last evaluated: 2025-06-27. Review status: criteria provided, single submitter. Criteria: Invitae Variant Classification Sherloc (09022015). Collection method: clinical testing. Allele origin: germline.
Comment: This sequence change replaces alanine, which is neutral and non-polar, with threonine, which is neutral and polar, at codon 707 of the KCNQ2 protein (p.Ala707Thr). The frequency data for this variant in the population databases is considered unreliable, as metrics indicate poor data quality at this position in the gnomAD database. This variant has not been reported in the literature in individuals affected with KCNQ2-related conditions. ClinVar contains an entry for this variant (Variation ID: 577370). Invitae Evidence Modeling of protein sequence and biophysical properties (such as structural, functional, and spatial information, amino acid conservation, physicochemical variation, residue mobility, and thermodynamic stability) indicates that this missense variant is not expected to disrupt KCNQ2 protein function with a negative predictive value of 95%. In summary, the available evidence is currently insufficient to determine the role of this variant in disease. Therefore, it has been classified as a Variant of Uncertain Significance.

Ambry Genetics
Classification: Likely benign for Inborn genetic diseases. Last evaluated: 2021-07-06. Review status: criteria provided, single submitter. Criteria: Ambry Variant Classification Scheme 2023. Collection method: clinical testing. Allele origin: germline.

PreventionGenetics, part of Exact Sciences
Classification: Likely benign for KCNQ2-related condition. Last evaluated: 2023-08-30. Review status: no assertion criteria provided. Collection method: clinical testing. Allele origin: germline. Not counted in ClinVar's aggregate classification.
Comment: This variant is classified as likely benign based on ACMG/AMP sequence variant interpretation guidelines (Richards et al. 2015 PMID: 25741868, with internal and published modifications).

NM_172107.4(KCNQ2):c.2119G>A (p.Ala707Thr)

Gene: KCNQ2 (potassium voltage-gated channel subfamily Q member 2; minus strand). Cytogenetic location: 20q13.33.
Variant type: single nucleotide variant.
Coding change: c.2119G>A on transcript NM_172107.4 (MANE Select); coding-DNA position 2119, G replaced by A.
Protein change: p.Ala707Thr; replaces alanine 707 with threonine.
Molecular consequence: missense variant.
Genome position (GRCh38, 1-based): chr20:63,407,144, C>T on the plus strand (G>A on the coding strand, the complement: KCNQ2 is on the minus strand). VCF-style: chr20-63407144-C-T. GRCh37 (hg19) VCF-style: chr20-62038497-C-T.
Other names: c.2119G>A (NM_172107.3); c.2035G>A, p.Ala679Thr (NM_004518.6); c.2065G>A, p.Ala689Thr (NM_172106.3); c.2026G>A, p.Ala676Thr (NM_172108.5); short protein forms A707T, A676T, A679T, A689T.
Identifiers: ClinVar variation 577370 (VCV000577370.16), dbSNP rs543477138, ClinGen allele CA9958144.